The following is an entry in ClinVar:

NM_000245.4(MET):c.1199G>A (p.Arg400Lys)

Gene: MET (MET proto-oncogene, receptor tyrosine kinase; plus strand). Cytogenetic location: 7q31.2.
Variant type: single nucleotide variant.
Coding change: c.1199G>A on transcript NM_000245.4 (MANE Select); coding-DNA position 1199, G replaced by A.
Protein change: p.Arg400Lys; replaces arginine 400 with lysine.
Molecular consequence: missense variant. On other transcripts: intron variant (1).
Genome position (GRCh38, 1-based): chr7:116,700,283, G>A. VCF-style: chr7-116700283-G-A. GRCh37 (hg19) VCF-style: chr7-116340337-G-A.
Other names: c.1199G>A (NM_001127500.1); c.1199G>A, p.Arg400Lys (NM_001127500.3, NM_001324401.3); c.-91+27706G>A (NM_001324402.2); short protein forms R400K.
Identifiers: ClinVar variation 1428546 (VCV001428546.7), dbSNP rs2116607774, ClinGen allele CA368970764.

ClinVar aggregate classification (germline): Conflicting classifications of pathogenicity. Review status: criteria provided, conflicting classifications (1 of 4 stars). 2 submissions from 2 submitters: Uncertain significance (1); Likely benign (1). Last evaluated 2024-06-24.

Conditions:
Hereditary cancer-predisposing syndrome. Also called: Tumor predisposition; Hereditary neoplastic syndrome; Neoplastic Syndromes, Hereditary; Hereditary Cancer Syndrome. Identifiers: Orphanet 140162, MedGen C0027672, MeSH D009386, MONDO:0015356.
Renal cell carcinoma. Identifiers: Orphanet 217071, MedGen C0007134, MeSH D002292, MONDO:0005086, HP:0005584.

gnomAD v4.1: 1 of 1,602,354 alleles (0.000062%); no homozygotes.

Submissions (2):

Ambry Genetics
Classification: Likely benign for Hereditary cancer-predisposing syndrome. Last evaluated: 2024-06-24. Review status: criteria provided, single submitter. Criteria: Ambry Variant Classification Scheme 2023. Collection method: clinical testing. Allele origin: germline.

Labcorp Genetics (formerly Invitae), Labcorp
Classification: Uncertain significance for Renal cell carcinoma. Last evaluated: 2024-04-17. Review status: criteria provided, single submitter. Criteria: Invitae Variant Classification Sherloc (09022015). Collection method: clinical testing. Allele origin: germline.
Comment: This sequence change replaces arginine, which is basic and polar, with lysine, which is basic and polar, at codon 400 of the MET protein (p.Arg400Lys). This variant is not present in population databases (gnomAD no frequency). This variant has not been reported in the literature in individuals affected with MET-related conditions. ClinVar contains an entry for this variant (Variation ID: 1428546). An algorithm developed to predict the effect of missense changes on protein structure and function (PolyPhen-2) suggests that this variant is likely to be tolerated. In summary, the available evidence is currently insufficient to determine the role of this variant in disease. Therefore, it has been classified as a Variant of Uncertain Significance.